The following is an entry in ClinVar:

ClinVar aggregate classification (germline): Uncertain significance. Review status: criteria provided, multiple submitters, no conflicts (2 of 4 stars). 2 submissions from 2 submitters: Uncertain significance (2). Last evaluated 2023-10-13.

Conditions:
Combined oxidative phosphorylation defect type 14. Also called: Combined oxidative phosphorylation deficiency 14. Identifiers: Orphanet 319519, MedGen C4755312, MONDO:0013986, OMIM 614946.

Submissions (2):

Blueprint Genetics
Classification: Uncertain significance. Last evaluated: 2023-10-13. Review status: criteria provided, single submitter. Criteria: ACMG Guidelines, 2015. Collection method: clinical testing. Allele origin: germline.

Labcorp Genetics (formerly Invitae), Labcorp
Classification: Uncertain significance for Combined oxidative phosphorylation defect type 14. Last evaluated: 2022-03-03. Review status: criteria provided, single submitter. Criteria: Invitae Variant Classification Sherloc (09022015). Collection method: clinical testing. Allele origin: germline.
Comment: This sequence change replaces leucine, which is neutral and non-polar, with proline, which is neutral and non-polar, at codon 6 of the FARS2 protein (p.Leu6Pro). In summary, the available evidence is currently insufficient to determine the role of this variant in disease. Therefore, it has been classified as a Variant of Uncertain Significance. Advanced modeling of protein sequence and biophysical properties (such as structural, functional, and spatial information, amino acid conservation, physicochemical variation, residue mobility, and thermodynamic stability) performed at Invitae indicates that this missense variant is not expected to disrupt FARS2 protein function. ClinVar contains an entry for this variant (Variation ID: 950127). This variant has not been reported in the literature in individuals affected with FARS2-related conditions. This variant is not present in population databases (gnomAD no frequency).

NM_006567.5(FARS2):c.17T>C (p.Leu6Pro)

Genes: FARS2 (phenylalanyl-tRNA synthetase 2, mitochondrial; plus strand), LOC126859565 (CDK7 strongly-dependent group 2 enhancer GRCh37_chr6:5368745-5369944; plus strand). Cytogenetic location: 6p25.1.
Variant type: single nucleotide variant.
Coding change: c.17T>C on transcript NM_006567.5 (MANE Select); coding-DNA position 17, T replaced by C.
Protein change: p.Leu6Pro; replaces leucine 6 with proline.
Molecular consequence: missense variant. On other transcripts: intron variant (2).
Genome position (GRCh38, 1-based): chr6:5,368,587, T>C. VCF-style: chr6-5368587-T-C. GRCh37 (hg19) VCF-style: chr6-5368820-T-C.
Other names: c.17T>C, p.Leu6Pro (NM_001318872.2, NM_001374875.1, NM_001374876.1 and 5 more transcripts); c.-340-28046T>C (NM_001375260.1); c.-84-35955T>C (NM_001375259.1); short protein forms L6P.
Identifiers: ClinVar variation 950127 (VCV000950127.11), dbSNP rs1758826838, ClinGen allele CA362734372.
Genomic context (GRCh38, chr6:5,368,587, plus strand): 5'-CTTTGCCTGTGTGCTCTTTCCAGAACCTGTGAGAAGTTTCTACAATGGTGGGCTCAGCTC[T>C]CAGGAGAGGTGCCCATGCATATGTCTACCTGGTGAGTAAGGCCAGTCACATCTCCAGAGG-3'
Protein context (NP_006558.1, residues 1-16): MVGSA[Leu6Pro]RRGAHAYVYL